The following is an entry in ClinVar:

ClinVar aggregate classification (germline): Uncertain significance (1 of 4 stars; one submission).

Conditions:
Catecholaminergic polymorphic ventricular tachycardia 1. Also called: VENTRICULAR TACHYCARDIA, CATECHOLAMINERGIC POLYMORPHIC, 1, WITH OR WITHOUT ATRIAL DYSFUNCTION AND/OR DILATED CARDIOMYOPATHY; RYR2-Related Catecholaminergic Polymorphic Ventricular Tachycardia; VENTRICULAR TACHYCARDIA, STRESS-INDUCED POLYMORPHIC 1. Identifiers: Orphanet 3286, MedGen C1631597, MONDO:0011484, OMIM 604772.

Submission:

Labcorp Genetics (formerly Invitae), Labcorp
Classification: Uncertain significance for Catecholaminergic polymorphic ventricular tachycardia 1. Last evaluated: 2021-12-02. Review status: criteria provided, single submitter. Criteria: Invitae Variant Classification Sherloc (09022015). Collection method: clinical testing. Allele origin: germline.
Comment: This sequence change replaces aspartic acid, which is acidic and polar, with glutamic acid, which is acidic and polar, at codon 339 of the RYR2 protein (p.Asp339Glu). This variant is not present in population databases (gnomAD no frequency). This variant has not been reported in the literature in individuals affected with RYR2-related conditions. Advanced modeling of protein sequence and biophysical properties (such as structural, functional, and spatial information, amino acid conservation, physicochemical variation, residue mobility, and thermodynamic stability) performed at Invitae indicates that this missense variant is not expected to disrupt RYR2 protein function. Algorithms developed to predict the effect of sequence changes on RNA splicing suggest that this variant may create or strengthen a splice site. In summary, the available evidence is currently insufficient to determine the role of this variant in disease. Therefore, it has been classified as a Variant of Uncertain Significance.

NM_001035.3(RYR2):c.1017T>G (p.Asp339Glu)

Gene: RYR2 (ryanodine receptor 2; plus strand). Cytogenetic location: 1q43.
Variant type: single nucleotide variant.
Coding change: c.1017T>G on transcript NM_001035.3 (MANE Select); coding-DNA position 1017, T replaced by G.
Protein change: p.Asp339Glu; replaces aspartic acid 339 with glutamic acid.
Molecular consequence: missense variant.
Genome position (GRCh38, 1-based): chr1:237,441,330, T>G. VCF-style: chr1-237441330-T-G. GRCh37 (hg19) VCF-style: chr1-237604630-T-G.
Other names: short protein forms D339E.
Identifiers: ClinVar variation 2158479 (VCV002158479.4), dbSNP rs2528320071, ClinGen allele CA345375986.
Genomic context (GRCh38, chr1:237,441,330, plus strand): 5'-TAGTATTTTTGAAATGTTTACTGACCTTTTTTTCCTCCTCTCCCCTTAGGAAAAATTGGA[T>G]GTAGGGGTGAGAAAAGAAGTAGATGGCATGGGAACATCTGAAATAAAATACGGTGACTCA-3'
Protein context (NP_001026.2, residues 329-349): FTFRSSKEKL[Asp339Glu]VGVRKEVDGM